The following is an entry in ClinVar:

ClinVar aggregate classification (germline): Pathogenic (1 of 4 stars; one submission).

Conditions:
Hereditary retinoblastoma. Identifiers: Orphanet 357027, MedGen C0751483, MONDO:0018160.

Submission:

Ramesar Group, Division of Human Genetics, Institute of Infectious Diseases and Molecular Medicine, UCT/MRC Genomic and Precision Medicine Research Unit, University of Cape Town
Classification: Pathogenic for Hereditary retinoblastoma. Last evaluated: 2025-09-17. Review status: criteria provided, single submitter. Criteria: ACMG Guidelines, 2015. Collection method: research. Allele origin: germline. Affected: yes. Observed: 1 variant allele.

NM_000321.3(RB1):c.2054_2055insAA (p.His686fs)

Gene: RB1 (RB transcriptional corepressor 1; plus strand). Cytogenetic location: 13q14.2.
Variant type: Insertion.
Coding change: c.2054_2055insAA on transcript NM_000321.3 (MANE Select); coding-DNA positions 2054 to 2055, AA inserted.
Protein change: p.His686fs; shifts the reading frame from histidine 686.
Molecular consequence: frameshift variant.
Genome position: GRCh38 VCF-style: chr13-48459780-C-CAA. GRCh37 (hg19) VCF-style: chr13-49033916-C-CAA.
Other names: c.2054_2055insAA, p.His686fs (NM_001407165.1); short protein forms H686fs.
Identifiers: ClinVar variation 4759398 (VCV004759398.1).
Genomic context (GRCh38, chr13:48,459,780, plus strand): 5'-CTTTGTGAACGCCTTCTGTCTGAGCACCCAGAATTAGAACATATCATCTGGACCCTTTTC[C>CAA]AGCACACCCTGCAGAATGAGTATGAACTCATGAGAGACAGGCATTTGGACCAAGTAAGAA-3'